The following is an entry in ClinVar:

ClinVar aggregate classification (germline): Uncertain significance (1 of 4 stars; one submission).

Conditions:
Aortic aneurysm, familial thoracic 12. Identifiers: MedGen C5676959, MONDO:0030731, OMIM 619825.

gnomAD v4.1: 1 of 1,614,236 alleles (0.000062%); highest among the groups gnomAD compares: East Asian, 0.0022%; no homozygotes.

Submission:

Clinical Genetics Laboratory, Skane University Hospital Lund
Classification: Uncertain significance for Aortic aneurysm, familial thoracic 12. Last evaluated: 2025-04-24. Review status: criteria provided, single submitter. Criteria: ACMG Guidelines, 2015. Collection method: clinical testing. Allele origin: germline. Affected: yes.
Comment: ACMG criteria used: PM2

NM_024817.3(THSD4):c.2984A>C (p.Tyr995Ser)

Gene: THSD4 (thrombospondin type 1 domain containing 4; plus strand). Cytogenetic location: 15q23.
Variant type: single nucleotide variant.
Coding change: c.2984A>C on transcript NM_024817.3 (MANE Select); coding-DNA position 2984, A replaced by C.
Protein change: p.Tyr995Ser; replaces tyrosine 995 with serine.
Molecular consequence: missense variant.
Genome position (GRCh38, 1-based): chr15:71,777,301, A>C. VCF-style: chr15-71777301-A-C. GRCh37 (hg19) VCF-style: chr15-72069640-A-C.
Other names: c.1904A>C, p.Tyr635Ser (NM_001286429.2); c.2984A>C, p.Tyr995Ser (NM_001394532.1); short protein forms Y995S, Y635S.
Identifiers: ClinVar variation 3891291 (VCV003891291.1).